The following is an entry in ClinVar:

ClinVar aggregate classification (germline): Uncertain significance. Review status: criteria provided, multiple submitters, no conflicts (2 of 4 stars). 2 submissions from 2 submitters: Uncertain significance (2). Last evaluated 2025-12-24.

Conditions:
Catecholaminergic polymorphic ventricular tachycardia (CVPT). Also called: Catecholamine-induced polymorphic ventricular tachycardia. Identifiers: Orphanet 3286, MedGen C5574922, MONDO:0017990.
Catecholaminergic polymorphic ventricular tachycardia 1. Also called: VENTRICULAR TACHYCARDIA, STRESS-INDUCED POLYMORPHIC 1; VENTRICULAR TACHYCARDIA, CATECHOLAMINERGIC POLYMORPHIC, 1, WITH OR WITHOUT ATRIAL DYSFUNCTION AND/OR DILATED CARDIOMYOPATHY; RYR2-Related Catecholaminergic Polymorphic Ventricular Tachycardia. Identifiers: Orphanet 3286, MedGen C1631597, MONDO:0011484, OMIM 604772.

Allele frequency attached by ClinVar (database versions not stated): gnomAD exomes below 0.00001.
gnomAD v4.1: 1 of 1,614,000 alleles (0.000062%); highest among the groups gnomAD compares: Non-Finnish European, 0.000085%; no homozygotes.

Submissions (2):

Labcorp Genetics (formerly Invitae), Labcorp
Classification: Uncertain significance for Catecholaminergic polymorphic ventricular tachycardia 1. Last evaluated: 2025-12-24. Review status: criteria provided, single submitter. Criteria: Invitae Variant Classification Sherloc (09022015). Collection method: clinical testing. Allele origin: germline.
Comment: This sequence change replaces valine, which is neutral and non-polar, with isoleucine, which is neutral and non-polar, at codon 1115 of the RYR2 protein (p.Val1115Ile). This variant is not present in population databases (gnomAD no frequency). This variant has not been reported in the literature in individuals affected with RYR2-related conditions. ClinVar contains an entry for this variant (Variation ID: 2902641). Invitae Evidence Modeling of protein sequence and biophysical properties (such as structural, functional, and spatial information, amino acid conservation, physicochemical variation, residue mobility, and thermodynamic stability) indicates that this missense variant is not expected to disrupt RYR2 protein function with a negative predictive value of 95%. In summary, the available evidence is currently insufficient to determine the role of this variant in disease. Therefore, it has been classified as a Variant of Uncertain Significance.

All of Us Research Program, National Institutes of Health
Classification: Uncertain significance for Catecholaminergic polymorphic ventricular tachycardia. Last evaluated: 2023-06-08. Review status: criteria provided, single submitter. Criteria: ACMG Guidelines, 2015. Collection method: clinical testing. Allele origin: germline. Inheritance: Autosomal dominant inheritance. Observed: 1 variant allele, 1 heterozygote.
Comment: This missense variant replaces valine with isoleucine at codon 1115 of the RYR2 protein. Computational prediction suggests that this variant may not impact protein structure and function (internally defined REVEL score threshold <= 0.5, PMID: 27666373). To our knowledge, functional studies have not been reported for this variant. This variant has not been reported in individuals affected with RYR2-related disorders in the literature. This variant has been identified in 1/249234 chromosomes in the general population by the Genome Aggregation Database (gnomAD). The available evidence is insufficient to determine the role of this variant in disease conclusively. Therefore, this variant is classified as a Variant of Uncertain Significance.

This study involves interpretation of variants in research participants for the purpose of population health screening. Participant phenotype was not available at the time of variant classification. Additional details can be found in publication PMID: 35346344, PMCID: PMC8962531

NM_001035.3(RYR2):c.3343G>A (p.Val1115Ile)

Gene: RYR2 (ryanodine receptor 2; plus strand). Cytogenetic location: 1q43.
Variant type: single nucleotide variant.
Coding change: c.3343G>A on transcript NM_001035.3 (MANE Select); coding-DNA position 3343, G replaced by A.
Protein change: p.Val1115Ile; replaces valine 1115 with isoleucine.
Molecular consequence: missense variant.
Genome position (GRCh38, 1-based): chr1:237,566,695, G>A. VCF-style: chr1-237566695-G-A. GRCh37 (hg19) VCF-style: chr1-237729995-G-A.
Other names: short protein forms V1115I.
Identifiers: ClinVar variation 2902641 (VCV002902641.4), dbSNP rs1559038746, ClinGen allele CA345398512.